The following is an entry in ClinVar:

NM_024675.4(PALB2):c.48G>C (p.Lys16Asn)

Gene: PALB2 (partner and localizer of BRCA2; minus strand). Cytogenetic location: 16p12.2.
Variant type: single nucleotide variant.
Coding change: c.48G>C on transcript NM_024675.4 (MANE Select); coding-DNA position 48, G replaced by C.
Protein change: p.Lys16Asn; replaces lysine 16 with asparagine.
Molecular consequence: missense variant. On other transcripts: 5 prime UTR variant (8), intron variant (2).
Genome position (GRCh38, 1-based): chr16:23,641,110, C>G on the plus strand (G>C on the coding strand, the complement: PALB2 is on the minus strand). VCF-style: chr16-23641110-C-G. GRCh37 (hg19) VCF-style: chr16-23652431-C-G.
Other names: c.48G>C, p.Lys16Asn (NM_001407296.1, NM_001407297.1, NM_001407298.1 and 5 more transcripts); c.-1696G>C (NM_001407304.1, NM_001407310.1); c.-972G>C (NM_001407305.1, NM_001407307.1, NM_001407309.1 and 1 more transcripts); c.-105G>C (NM_001407312.1, NM_001407313.1); c.-838+17G>C (NM_001407308.1, NM_001407306.1); short protein forms K16N.
Identifiers: ClinVar variation 4861478 (VCV004861478.1).

ClinVar aggregate classification (germline): Uncertain significance (1 of 4 stars; one submission).

Conditions:
Hereditary cancer-predisposing syndrome. Also called: Neoplastic Syndromes, Hereditary; Tumor predisposition; Hereditary Cancer Syndrome; Hereditary neoplastic syndrome. Identifiers: Orphanet 140162, MedGen C0027672, MeSH D009386, MONDO:0015356.

Submission:

Ambry Genetics
Classification: Uncertain significance for Hereditary cancer-predisposing syndrome. Last evaluated: 2026-04-08. Review status: criteria provided, single submitter. Criteria: Ambry Variant Classification Scheme 2023. Collection method: clinical testing. Allele origin: germline.
Comment: The c.48G>C variant (also known as p.K16N), located in coding exon 1 of the PALB2 gene, results from a G to C substitution at nucleotide position 48. The amino acid change results in lysine to asparagine at codon 16, an amino acid with similar properties. However, this change occurs in the last base pair of coding exon 1, which makes it likely to have some effect on normal mRNA splicing. This nucleotide position is highly conserved in available vertebrate species. In silico splice site analysis predicts that this alteration will weaken the native splice donor site and may result in the creation or strengthening of a novel splice donor site; however, direct evidence is insufficient at this time (Ambry internal data). Based on the available evidence, the clinical significance of this variant remains unclear.